The following is an entry in ClinVar:

ClinVar aggregate classification (germline): Uncertain significance (1 of 4 stars; one submission).

Submission:

Ambry Genetics
Classification: Uncertain significance. Last evaluated: 2024-05-02. Review status: criteria provided, single submitter. Criteria: Ambry Variant Classification Scheme 2023. Collection method: clinical testing. Allele origin: germline.
Comment: The p.D57V variant (also known as c.170A>T), located in coding exon 1 of the PALLD gene, results from an A to T substitution at nucleotide position 170. The aspartic acid at codon 57 is replaced by valine, an amino acid with highly dissimilar properties. This amino acid position is conserved. In addition, the in silico prediction for this alteration is inconclusive. Based on the available evidence, the clinical significance of this variant remains unclear.

NM_001166108.2(PALLD):c.170A>T (p.Asp57Val)

Gene: PALLD (palladin, cytoskeletal associated protein; plus strand). Cytogenetic location: 4q32.3.
Variant type: single nucleotide variant.
Coding change: c.170A>T on transcript NM_001166108.2 (MANE Select); coding-DNA position 170, A replaced by T.
Protein change: p.Asp57Val; replaces aspartic acid 57 with valine.
Molecular consequence: missense variant.
Genome position (GRCh38, 1-based): chr4:168,511,674, A>T. VCF-style: chr4-168511674-A-T. GRCh37 (hg19) VCF-style: chr4-169432825-A-T.
Other names: c.170A>T, p.Asp57Val (NM_016081.4); short protein forms D57V.
Identifiers: ClinVar variation 3304076 (VCV003304076.1).